The following is an entry in ClinVar:

ClinVar aggregate classification (germline): Likely benign. Review status: criteria provided, multiple submitters, no conflicts (2 of 4 stars). 4 submissions from 4 submitters: Likely benign (3). 1 of the submissions does not count toward it. Last evaluated 2025-01-06.

Conditions:
Inborn genetic diseases. Identifiers: MedGen C0950123, MeSH D030342.
Fanconi anemia (FA). Also called: Fanconi's anemia. Identifiers: Orphanet 84, MedGen C0015625, MeSH D005199, MONDO:0019391.
FANCA-related disorder. Also called: FANCA-related condition.

Allele frequency attached by ClinVar (database versions not stated): ExAC 0.00001; gnomAD exomes 0.00001 and below 0.00001; TOPMed 0.00002; ESP Exome Variant Server 0.00008.
gnomAD v4.1: 4 of 1,613,896 alleles (0.00025%); highest among the groups gnomAD compares: Non-Finnish European, 0.00017%; no homozygotes.

Submissions (4):

Ambry Genetics
Classification: Likely benign for Inborn genetic diseases. Last evaluated: 2025-01-06. Review status: criteria provided, single submitter. Criteria: Ambry Variant Classification Scheme 2023. Collection method: clinical testing. Allele origin: germline.

Labcorp Genetics (formerly Invitae), Labcorp
Classification: Likely benign for Fanconi anemia. Last evaluated: 2023-07-26. Review status: criteria provided, single submitter. Criteria: Invitae Variant Classification Sherloc (09022015). Collection method: clinical testing. Allele origin: germline.

CeGaT Center for Human Genetics Tuebingen
Classification: Likely benign. Last evaluated: 2022-03-01. Review status: criteria provided, single submitter. Criteria: CeGaT Center For Human Genetics Tuebingen Variant Classification Criteria Version 2. Collection method: clinical testing. Allele origin: germline. Affected: yes. Observed: 1 variant allele.
Comment: FANCA: BP4, BP7

PreventionGenetics, part of Exact Sciences
Classification: Likely benign for FANCA-related condition. Last evaluated: 2019-07-26. Review status: no assertion criteria provided. Collection method: clinical testing. Allele origin: germline. Not counted in ClinVar's aggregate classification.
Comment: This variant is classified as likely benign based on ACMG/AMP sequence variant interpretation guidelines (Richards et al. 2015 PMID: 25741868, with internal and published modifications).

NM_000135.4(FANCA):c.169C>T (p.Leu57=)

Gene: FANCA (FA complementation group A; minus strand). Cytogenetic location: 16q24.3.
Variant type: single nucleotide variant.
Coding change: c.169C>T on transcript NM_000135.4 (MANE Select); coding-DNA position 169, C replaced by T.
Protein change: p.Leu57=; no amino-acid change (leucine 57 retained).
Molecular consequence: synonymous variant.
Genome position (GRCh38, 1-based): chr16:89,815,897, G>A on the plus strand (C>T on the coding strand, the complement: FANCA is on the minus strand). VCF-style: chr16-89815897-G-A. GRCh37 (hg19) VCF-style: chr16-89882305-G-A.
Other names: c.169C>T, p.Leu57= (NM_001018112.3, NM_001286167.3, NM_001351830.2); c.169C>T (LRG_495t1).
Identifiers: ClinVar variation 526481 (VCV000526481.37), dbSNP rs368828271, ClinGen allele CA8253153.